The following is an entry in ClinVar:

ClinVar aggregate classification (germline): Uncertain significance (1 of 4 stars; one submission).

Conditions:
Hereditary pancreatitis (PCTT). Also called: Hereditary chronic pancreatitis; PRSS1-Related Hereditary Pancreatitis. Identifiers: Orphanet 676, MedGen C0238339, MONDO:0008185, OMIM 167800.

Allele frequency attached by ClinVar (database versions not stated): ExAC 0.00003.

Submission:

Ambry Genetics
Classification: Uncertain significance for Hereditary pancreatitis. Last evaluated: 2022-06-24. Review status: criteria provided, single submitter. Criteria: Ambry Variant Classification Scheme 2023. Collection method: clinical testing. Allele origin: germline.
Comment: The c.-1C>T variant is located in the 5' untranslated region (5&rsquo; UTR) of the PRSS1 gene. This variant results from a C to T substitution one nucleotide upstream from the first translated codon. This nucleotide position is well conserved in available vertebrate species. Since supporting evidence is limited at this time, the clinical significance of this alteration remains unclear.

NM_002769.5(PRSS1):c.-1C>T

Genes: PRSS1 (serine protease 1; plus strand), TRB (T cell receptor beta locus; plus strand). Cytogenetic location: 7q34.
Variant type: single nucleotide variant.
Coding change: c.-1C>T on transcript NM_002769.5 (MANE Select); 1 bases upstream of the start codon, C replaced by T.
Molecular consequence: 5 prime UTR variant. On other transcripts: non-coding transcript variant (5).
Genome position (GRCh38, 1-based): chr7:142,749,484, C>T. VCF-style: chr7-142749484-C-T. GRCh37 (hg19) VCF-style: chr7-142457335-C-T.
Identifiers: ClinVar variation 1784190 (VCV001784190.2), dbSNP rs775612238, ClinGen allele CA4529577.